The following is an entry in ClinVar:

NC_000019.10:g.(?_13298534)_(13300666_?)del

Gene: CACNA1A (calcium voltage-gated channel subunit alpha1 A; minus strand). Cytogenetic location: 19p13.2.
Variant type: Deletion.
Identifiers: ClinVar variation 832102 (VCV000832102.6).

ClinVar aggregate classification (germline): Pathogenic (1 of 4 stars; one submission).

Conditions:
Developmental and epileptic encephalopathy, 42 (DEE42A). Also called: Epileptic encephalopathy, early infantile, 42; DEVELOPMENTAL AND EPILEPTIC ENCEPHALOPATHY 42A; EPILEPTIC ENCEPHALOPATHY, EARLY INFANTILE, 42A. Identifiers: MedGen C4310716, MONDO:0014917, OMIM 617106.
Episodic ataxia type 2 (EA2). Also called: EPISODIC ATAXIA, NYSTAGMUS-ASSOCIATED; ACETAZOLAMIDE-RESPONSIVE HEREDITARY PAROXYSMAL CEREBELLAR ATAXIA; ATAXIA, EPISODIC, WITH NYSTAGMUS; ATAXIA, FAMILIAL PAROXYSMAL; CEREBELLAR ATAXIA, PAROXYSMAL, ACETAZOLAMIDE-RESPONSIVE; CEREBELLOPATHY, HEREDITARY PAROXYSMAL. Identifiers: Orphanet 97, MedGen C1720416, MONDO:0007163, OMIM 108500.

Submission:

Labcorp Genetics (formerly Invitae), Labcorp
Classification: Pathogenic for Developmental and epileptic encephalopathy, 42; Episodic ataxia type 2. Last evaluated: 2019-09-12. Review status: criteria provided, single submitter. Criteria: Invitae Variant Classification Sherloc (09022015). Collection method: clinical testing. Allele origin: germline.
Comment: This variant is an out-of-frame deletion of the genomic region encompassing exons 18-19 of the CACNA1A gene. This is expected to create a premature translational stop signal and result in an absent or disrupted protein product. This variant has not been reported in the literature in individuals with CACNA1A-related conditions. Loss-of-function variants in CACNA1A are known to be pathogenic (PMID: 10371528, 19486177, 25735478, 27250579). For these reasons, this variant has been classified as Pathogenic.

Literature cited by the submitters: PubMed 10371528; PubMed 19486177; PubMed 25735478; PubMed 27250579.